The following is an entry in ClinVar:

NM_005337.5(NCKAP1L):c.476A>G (p.Asn159Ser)

Gene: NCKAP1L (NCK associated protein 1 like; plus strand). Cytogenetic location: 12q13.2.
Variant type: single nucleotide variant.
Coding change: c.476A>G on transcript NM_005337.5 (MANE Select); coding-DNA position 476, A replaced by G.
Protein change: p.Asn159Ser; replaces asparagine 159 with serine.
Molecular consequence: missense variant.
Genome position (GRCh38, 1-based): chr12:54,508,501, A>G. VCF-style: chr12-54508501-A-G. GRCh37 (hg19) VCF-style: chr12-54902285-A-G.
Other names: c.326A>G, p.Asn109Ser (NM_001184976.2); c.476A>G (NM_005337.4); short protein forms N109S, N159S.
Identifiers: ClinVar variation 2164827 (VCV002164827.3), dbSNP rs200217462, ClinGen allele CA6608838.
Genomic context (GRCh38, chr12:54,508,501, plus strand): 5'-CCTCAGTCATTTTACTTCTGTCACGGATTGAAGATCGGCGGATACTCATTGGCATGTACA[A>G]TTGTGCCCATGAGATGCTGCATGGGCATGGGTGAGTTAAGGCGAGAGTATTATATGAAGA-3'
Protein context (NP_005328.2, residues 149-169): EDRRILIGMY[Asn159Ser]CAHEMLHGHG

ClinVar aggregate classification (germline): Uncertain significance. Review status: criteria provided, multiple submitters, no conflicts (2 of 4 stars). 2 submissions from 2 submitters: Uncertain significance (2). Last evaluated 2024-05-12.

Allele frequency attached by ClinVar (database versions not stated): ExAC 0.00012; ESP Exome Variant Server 0.00015; gnomAD exomes 0.00028.
gnomAD v4.1: 443 of 1,614,028 alleles (0.027%); highest among the groups gnomAD compares: Non-Finnish European, 0.035%; no homozygotes.

Submissions (2):

Ambry Genetics
Classification: Uncertain significance. Last evaluated: 2024-05-12. Review status: criteria provided, single submitter. Criteria: Ambry Variant Classification Scheme 2023. Collection method: clinical testing. Allele origin: germline.

Labcorp Genetics (formerly Invitae), Labcorp
Classification: Uncertain significance. Last evaluated: 2022-05-25. Review status: criteria provided, single submitter. Criteria: Invitae Variant Classification Sherloc (09022015). Collection method: clinical testing. Allele origin: germline.
Comment: This sequence change replaces asparagine, which is neutral and polar, with serine, which is neutral and polar, at codon 159 of the NCKAP1L protein (p.Asn159Ser). This variant is present in population databases (rs200217462, gnomAD 0.02%). This variant has not been reported in the literature in individuals affected with NCKAP1L-related conditions. Algorithms developed to predict the effect of missense changes on protein structure and function output the following: SIFT: "Deleterious"; PolyPhen-2: "Benign"; Align-GVGD: "Class C0". The serine amino acid residue is found in multiple mammalian species, which suggests that this missense change does not adversely affect protein function. In summary, the available evidence is currently insufficient to determine the role of this variant in disease. Therefore, it has been classified as a Variant of Uncertain Significance.